The following is an entry in ClinVar:

ClinVar aggregate classification (germline): Uncertain significance. Review status: reviewed by expert panel (3 of 4 stars). 3 submissions from 3 submitters: Uncertain significance (1). 2 of the submissions do not count toward it. Last evaluated 2024-03-26.

Conditions:
Cerebellar ataxia. Identifiers: Orphanet 102002, MedGen C0007758, MONDO:0000437.
Progressive spastic paraparesis. Identifiers: MedGen C0747251, HP:0007199.
Abnormal basal ganglia MRI signal intensity. Identifiers: MedGen C4022745, HP:0012751.
Gonadal dysgenesis. Identifiers: MedGen C0018051, MONDO:0001967, HP:0000133.
Mitochondrial disease. Also called: Mitochondrial disorder; Mitochondrial disorders. Identifiers: Orphanet 68380, MedGen C0751651, MeSH D028361, MONDO:0044970.

Submissions (3):

ClinGen Mitochondrial Disease Nuclear and Mitochondrial  Variant Curation Expert Panel, ClinGen
Classification: Uncertain significance for Mitochondrial disease. Last evaluated: 2024-03-26. Review status: reviewed by expert panel. Criteria: clingen mito disease acmg specifications v1-1. Collection method: curation. Allele origin: germline. Inheritance: Mitochondrial inheritance.
Comment: The m.14724G>A variant in MT-TE has been reported in two individual with primary mitochondrial disease (PS4_supporting; PMIDs: 17266923, 23847141). Muscle biopsy showed ragged red and COX-negative fibers, and activities of complexes I and IV were reduced in muscle. The variant was present at 94% heteroplasmy in muscle and 62% in peripheral leukocytes. The variant was undetectable in blood from his mother, sister, and two maternal relatives (PM6_supporting; PMID: 17266923). Brain MRI showed leukodystrophy and cerebellar atrophy and blood lactate was elevated. Muscle biopsy showed ragged red fibers. Heteroplasmy levels and information on family member testing were not provided. This variant is absent in the MITOMAP GenBank dataset, gnomAD v3.1.2, and the Helix dataset (PM2_supporting). The computational predictor MitoTIP suggests this variant is pathogenic (88.8 percentile) and HmtVAR predicts it to be pathogenic score of 0.55 (PP3). Single fiber testing showed higher levels of the variant in COX negative fibers (95.8±1.2%, n=20) than in COX positive fibers (85.8±2.7%, n=17), p<0.01 (PS3_supporting, PMID: 17266923). In summary, this variant meets criteria to be classified as uncertain significance for primary mitochondrial disease inherited in a mitochondrial manner. This classification was approved by the NICHD/NINDS U24 ClinGen Mitochondrial Disease Variant Curation Expert Panel on March 26, 2024. Mitochondrial DNA-specific ACMG/AMP criteria applied (PMID: 32906214): PS4_supporting, PM6_supporting, PM2_supporting, PP3, PS3_supporting.

Mendelics
Classification: Pathogenic for Mitochondrial disease. Last evaluated: 2022-05-04. Review status: criteria provided, single submitter. Criteria: Mendelics Assertion Criteria 2019. Collection method: clinical testing. Allele origin: germline. Not counted in ClinVar's aggregate classification.

MGZ Medical Genetics Center
Classification: Pathogenic for Abnormal basal ganglia MRI signal intensity; Progressive spastic paraparesis; Ataxia; Gonadal dysgenesis. Last evaluated: 2019-12-09. Review status: criteria provided, single submitter. Criteria: ACMG Guidelines, 2015. Collection method: clinical testing. Allele origin: unknown. Affected: yes. Observed: 1 variant allele. Not counted in ClinVar's aggregate classification.
Comment: Variant was published in several independant cases (PMID: 23847141, PMID: 17266923).

Literature cited by the submitters: PubMed 17266923 (cited by ClinGen Mitochondrial Disease Nuclear and Mitochondrial  Variant Curation Expert Panel, ClinGen).

NC_012920.1(MT-TE):m.14724G>A

Gene: MT-TE (mitochondrially encoded tRNA glutamic acid; minus strand).
Variant type: single nucleotide variant.
Genome position: chrM-14724-G-A.
Identifiers: ClinVar variation 805947 (VCV000805947.3), dbSNP rs1603224846, ClinGen allele CA913171920.